The following is an entry in ClinVar:

ClinVar aggregate classification (germline): Uncertain significance (1 of 4 stars; one submission).

Conditions:
Lissencephaly 8 (LIS8). Identifiers: MedGen C4310646, MONDO:0014992, OMIM 617255.

gnomAD v4.1: 1 of 1,611,704 alleles (0.000062%); highest among the groups gnomAD compares: Non-Finnish European, 0.000085%; no homozygotes.

Submission:

Pittsburgh Clinical Genomics Laboratory, University of Pittsburgh Medical Center
Classification: Uncertain significance for Lissencephaly 8. Last evaluated: 2024-03-14. Review status: criteria provided, single submitter. Criteria: ACMG Guidelines, 2015. Collection method: clinical testing. Allele origin: germline. Inheritance: Autosomal recessive inheritance. Affected: yes.
Comment: This sequence variant is a single nucleotide substitution (C>T) at position 1313 of the coding sequence of the TMTC3 gene that results in an alanine to valine amino acid change at residue 438 of the transmembrane O-mannosyltransferase targeting cadherins 3 protein. This residue falls in the first tetratricopeptide repeat domain (UniProt). This variant is absent from ClinVar and has not been reported in the literature in individuals with TMTC3-related disease, to our knowledge. This variant is present in 1/626514 alleles (0.0001596%) in the gnomAD v4.0.0 population database. Multiple bioinformatic tools predict that this amino acid change would be damaging, and the Ala438 residue at this position is highly conserved across the vertebrate species examined. Additionally, splicing tools predict that this variant may affect splicing. Studies examining the functional consequence of this variant have not been performed, to our knowledge. At this time, there is insufficient evidence to determine if this variant is pathogenic or benign. Therefore, we consider this a variant of uncertain significance. ACMG Criteria: PM2, PM3, PP3

NM_181783.4(TMTC3):c.1313C>T (p.Ala438Val)

Gene: TMTC3 (transmembrane O-mannosyltransferase targeting cadherins 3; plus strand). Cytogenetic location: 12q21.32.
Variant type: single nucleotide variant.
Coding change: c.1313C>T on transcript NM_181783.4 (MANE Select); coding-DNA position 1313, C replaced by T.
Protein change: p.Ala438Val; replaces alanine 438 with valine.
Molecular consequence: missense variant. On other transcripts: non-coding transcript variant (1).
Genome position (GRCh38, 1-based): chr12:88,174,720, C>T. VCF-style: chr12-88174720-C-T. GRCh37 (hg19) VCF-style: chr12-88568497-C-T.
Other names: c.1133C>T, p.Ala378Val (NM_001366574.1); c.1094C>T, p.Ala365Val (NM_001366579.1); c.1046C>T, p.Ala349Val (NM_001366580.1); c.620C>T, p.Ala207Val (NM_001366583.1); short protein forms A207V, A349V, A365V, A378V, A438V.
Identifiers: ClinVar variation 3376481 (VCV003376481.1).